The following is an entry in ClinVar:

NM_020937.4(FANCM):c.3104C>A (p.Thr1035Asn)

Gene: FANCM (FA complementation group M; plus strand). Cytogenetic location: 14q21.2.
Variant type: single nucleotide variant.
Coding change: c.3104C>A on transcript NM_020937.4 (MANE Select); coding-DNA position 3104, C replaced by A.
Protein change: p.Thr1035Asn; replaces threonine 1035 with asparagine.
Molecular consequence: missense variant.
Genome position (GRCh38, 1-based): chr14:45,175,858, C>A. VCF-style: chr14-45175858-C-A. GRCh37 (hg19) VCF-style: chr14-45645061-C-A.
Other names: c.3104C>A (LRG_502t1); c.3026C>A, p.Thr1009Asn (NM_001308133.2); short protein forms T1009N, T1035N.
Identifiers: ClinVar variation 663595 (VCV000663595.10), dbSNP rs1411559650, ClinGen allele CA389599869.

ClinVar aggregate classification (germline): Uncertain significance. Review status: criteria provided, multiple submitters, no conflicts (2 of 4 stars). 2 submissions from 2 submitters: Uncertain significance (2). Last evaluated 2024-05-28.

Conditions:
Fanconi anemia (FA). Also called: Fanconi's anemia. Identifiers: Orphanet 84, MedGen C0015625, MeSH D005199, MONDO:0019391.

Allele frequency attached by ClinVar (database versions not stated): TOPMed 0.00002; gnomAD 0.00003 and 0.00004; gnomAD exomes below 0.00001.
gnomAD v4.1: 24 of 1,613,714 alleles (0.0015%); highest among the groups gnomAD compares: Non-Finnish European, 0.0019%; no homozygotes.

Submissions (2):

GeneDx
Classification: Uncertain significance. Last evaluated: 2024-05-28. Review status: criteria provided, single submitter. Criteria: GeneDx Variant Classification Process June 2021. Collection method: clinical testing. Allele origin: germline. Affected: yes.
Comment: Not observed at significant frequency in large population cohorts (gnomAD); In silico analysis indicates that this missense variant does not alter protein structure/function; Has not been previously published as pathogenic or benign to our knowledge

Labcorp Genetics (formerly Invitae), Labcorp
Classification: Uncertain significance for Fanconi anemia. Last evaluated: 2023-04-15. Review status: criteria provided, single submitter. Criteria: Invitae Variant Classification Sherloc (09022015). Collection method: clinical testing. Allele origin: germline.
Comment: Algorithms developed to predict the effect of missense changes on protein structure and function output the following: SIFT: "Not Available"; PolyPhen-2: "Benign"; Align-GVGD: "Not Available". The asparagine amino acid residue is found in multiple mammalian species, which suggests that this missense change does not adversely affect protein function. In summary, the available evidence is currently insufficient to determine the role of this variant in disease. Therefore, it has been classified as a Variant of Uncertain Significance. ClinVar contains an entry for this variant (Variation ID: 663595). This sequence change replaces threonine, which is neutral and polar, with asparagine, which is neutral and polar, at codon 1035 of the FANCM protein (p.Thr1035Asn). This variant is present in population databases (no rsID available, gnomAD no frequency). This variant has not been reported in the literature in individuals affected with FANCM-related conditions.